The following is an entry in ClinVar:

ClinVar aggregate classification (germline): Pathogenic (1 of 4 stars; one submission).

Conditions:
Nemaline myopathy 2 (NEM2). Also called: Nemaline myopathy 2, autosomal recessive. Identifiers: MedGen C1850569, MONDO:0009725, OMIM 256030.

Submission:

Labcorp Genetics (formerly Invitae), Labcorp
Classification: Pathogenic for Nemaline myopathy 2. Last evaluated: 2023-04-24. Review status: criteria provided, single submitter. Criteria: Invitae Variant Classification Sherloc (09022015). Collection method: clinical testing. Allele origin: germline.
Comment: This variant occurs in a region of NEB (Exons 82-105) consisting of three highly homologous 8-exon repeat units (exons 82-89, exons 90-97, exons 98-105). Sequence variants in this region can be detected, but this assay cannot determine which of the three repeat units is affected, and zygosity is often ambiguous. All variants in this region are reported relative to the exon 82-89 repeat. This sequence change creates a premature translational stop signal (p.Cys4509Valfs*17) in the NEB gene. It is expected to result in an absent or disrupted protein product. Loss-of-function variants in NEB are known to be pathogenic (PMID: 25205138). The frequency data for this variant in the population databases (gnomAD) is considered unreliable due to the presence of homologous sequence, such as pseudogenes or paralogs, in the genome. This premature translational stop signal has been observed in individual(s) with Hypotonia (Invitae). ClinVar contains an entry for this variant (Variation ID: 941884). For these reasons, this variant has been classified as Pathogenic.

Literature cited by the submitters: PubMed 25205138.

NM_001164508.2(NEB):c.13525del (p.Cys4509fs)

Gene: NEB (nebulin; minus strand). Cytogenetic location: 2q23.3.
Variant type: Deletion.
Coding change: c.13525del on transcript NM_001164508.2 (MANE Select); coding-DNA position 13525, one base deleted (T; older notation c.13525delT).
Protein change: p.Cys4509fs; shifts the reading frame from cysteine 4509.
Molecular consequence: frameshift variant. On other transcripts: intron variant (1).
Genome position (GRCh38, 1-based): chr2:151,600,705, A deleted on the plus strand (T on the coding strand, the reverse complement: NEB is on the minus strand). VCF-style (leftmost placement, unchanged base first): chr2-151600704-CA-C. GRCh37 (hg19) VCF-style: chr2-152457218-CA-C.
Other names: c.13525del, p.Cys4509fs (NM_001164507.2, NM_001271208.2); c.11601+9104del (NM_004543.5); short protein forms C4509fs.
Identifiers: ClinVar variation 941884 (VCV000941884.9), dbSNP rs2097453337, ClinGen allele CA1139657237.